The following is an entry in ClinVar:

NM_005883.3(APC2):c.3092T>C (p.Leu1031Pro)

Gene: APC2 (APC regulator of WNT signaling pathway 2; plus strand). Cytogenetic location: 19p13.3.
Variant type: single nucleotide variant.
Coding change: c.3092T>C on transcript NM_005883.3 (MANE Select); coding-DNA position 3092, T replaced by C.
Protein change: p.Leu1031Pro; replaces leucine 1031 with proline.
Molecular consequence: missense variant.
Genome position (GRCh38, 1-based): chr19:1,466,393, T>C. VCF-style: chr19-1466393-T-C. GRCh37 (hg19) VCF-style: chr19-1466392-T-C.
Other names: c.3089T>C, p.Leu1030Pro (NM_001351273.1); short protein forms L1030P, L1031P.
Identifiers: ClinVar variation 1800853 (VCV001800853.1), dbSNP rs542014708, ClinGen allele CA9045625.

ClinVar aggregate classification (germline): Uncertain significance (1 of 4 stars; one submission).

Allele frequency attached by ClinVar (database versions not stated): TOPMed 0.00002; gnomAD 0.00004; gnomAD exomes 0.00004; ExAC 0.00008; 1000 Genomes Project 0.00040; 1000 Genomes Project 30x 0.00047.
gnomAD v4.1: 67 of 1,592,606 alleles (0.0042%); highest among the groups gnomAD compares: Middle Eastern, 0.066%; no homozygotes.

Submission:

GeneDx
Classification: Uncertain significance. Last evaluated: 2022-05-27. Review status: criteria provided, single submitter. Criteria: GeneDx Variant Classification Process June 2021. Collection method: clinical testing. Allele origin: germline. Affected: yes.
Comment: In silico analysis supports that this missense variant does not alter protein structure/function; Has not been previously published as pathogenic or benign to our knowledge